The following is an entry in ClinVar:

NM_003036.4(SKI):c.29G>A (p.Cys10Tyr)

Gene: SKI (SKI proto-oncogene; plus strand). Cytogenetic location: 1p36.33.
Variant type: single nucleotide variant.
Coding change: c.29G>A on transcript NM_003036.4 (MANE Select); coding-DNA position 29, G replaced by A.
Protein change: p.Cys10Tyr; replaces cysteine 10 with tyrosine.
Molecular consequence: missense variant.
Genome position (GRCh38, 1-based): chr1:2,228,795, G>A. VCF-style: chr1-2228795-G-A. GRCh37 (hg19) VCF-style: chr1-2160234-G-A.
Other names: short protein forms C10Y.
Identifiers: ClinVar variation 520162 (VCV000520162.5), dbSNP rs1553189820, ClinGen allele CA337951931.

ClinVar aggregate classification (germline): Uncertain significance (1 of 4 stars; one submission).

Conditions:
Familial thoracic aortic aneurysm and aortic dissection (TAAD). Also called: Thoracic aortic aneurysms and dissections. Identifiers: Orphanet 91387, MedGen C4707243, MONDO:0019625.

Submission:

Ambry Genetics
Classification: Uncertain significance for Familial thoracic aortic aneurysm and aortic dissection. Last evaluated: 2017-01-10. Review status: criteria provided, single submitter. Criteria: Ambry Variant Classification Scheme 2023. Collection method: clinical testing. Allele origin: germline.
Comment: The p.C10Y variant (also known as c.29G>A), located in coding exon 1 of the SKI gene, results from a G to A substitution at nucleotide position 29. The cysteine at codon 10 is replaced by tyrosine, an amino acid with highly dissimilar properties. This amino acid position is poorly conserved on limited sequence alignment. In addition, this alteration is predicted to be tolerated by in silico analysis. Since supporting evidence is limited at this time, the clinical significance of this alteration remains unclear.